The following is an entry in ClinVar:

ClinVar aggregate classification (germline): Likely pathogenic. Review status: criteria provided, multiple submitters, no conflicts (2 of 4 stars). 2 submissions from 2 submitters: Likely pathogenic (2). Last evaluated 2023-05-02.

Conditions:
Lethal short-limb skeletal dysplasia, Al Gazali type. Also called: Lethal neonatal short limb dwarfism. Identifiers: Orphanet 646136, MedGen C1832435, MONDO:0011051, OMIM 601356.
Geleophysic dysplasia 1 (GPHYSD1). Also called: Geleophysic dwarfism. Identifiers: Orphanet 2623, MedGen C3278147, MONDO:0009269, OMIM 231050.

Submissions (2):

Broad Center for Mendelian Genomics, Broad Institute of MIT and Harvard
Classification: Likely pathogenic for Geleophysic dysplasia 1. Last evaluated: 2023-05-02. Review status: criteria provided, single submitter. Criteria: ACMG Guidelines, 2015. Collection method: curation. Allele origin: germline. Inheritance: Autosomal recessive inheritance.
Comment: Trio exome analysis revealed that this variant was in trans with a pathogenic variant (ClinVar Variation ID: 694). The p.Gly354AlafsTer7 variant in ADAMTSL2 has not been previously reported in individuals with geleophysic dysplasia 1. This variant was absent from large population studies. This variant is predicted to cause a frameshift, which alters the protein‚Äôs amino acid sequence beginning at position 354 and leads to a premature termination codon 7 amino acids downstream. This alteration is then predicted to lead to a truncated or absent protein. Loss of function of ADAMTSL2 is strongly associated to autosomal recessive geleophysic dysplasia. In summary, although additional studies are required to fully establish its clinical significance, this variant is likely pathogenic for autosomal recessive geleophysic dysplasia. ACMG/AMP Criteria applied: PVS1_Strong, PM2_Supporting, PM3 (Richards 2015).

Rare Disease Group, Clinical Genetics, Karolinska Institutet
Classification: Likely pathogenic for Lethal short-limb skeletal dysplasia, Al Gazali type. Last evaluated: 2022-10-11. Review status: criteria provided, single submitter. Criteria: ACMG Guidelines, 2015. Collection method: clinical testing. Allele origin: germline. Affected: yes.

NM_014694.4(ADAMTSL2):c.1061del (p.Gly354fs)

Gene: ADAMTSL2 (ADAMTS like 2; plus strand). Cytogenetic location: 9q34.2.
Variant type: Deletion.
Coding change: c.1061del on transcript NM_014694.4 (MANE Select); coding-DNA position 1061, one base deleted (G; older notation c.1061delG).
Protein change: p.Gly354fs; shifts the reading frame from glycine 354.
Molecular consequence: frameshift variant.
Genome position (GRCh38, 1-based): chr9:133,554,478, G deleted; the last of 3 consecutive G bases (chr9:133,554,476-133,554,478); deleting any one gives the same sequence. VCF-style (leftmost placement, unchanged base first): chr9-133554475-AG-A. GRCh37 (hg19) VCF-style: chr9-136419597-AG-A.
Other names: NM_001145320.2:c.1061del; c.1061del, p.Gly354fs (NM_001145320.2); short protein forms G354fs.
Identifiers: ClinVar variation 1710157 (VCV001710157.2), dbSNP rs2490935380, ClinGen allele CA915940426.
Genomic context (GRCh38, chr9:133,554,475, plus strand): 5'-CGCCACACGAGAGCCGCCCCCAGCCCATCTACTATGGCTTCTCCGAGAGCGCTGAGAGCC[AG>A]GGCCTGGACGGGGCCGGGCTGATGGGCTTCGTCCCGCACAACGGCTCCCTCTACGGCCAG-3'